The following is an entry in ClinVar:

ClinVar aggregate classification (germline): Uncertain significance (1 of 4 stars; one submission).

Conditions:
Hereditary cancer-predisposing syndrome. Also called: Neoplastic Syndromes, Hereditary; Tumor predisposition; Hereditary neoplastic syndrome; Hereditary Cancer Syndrome. Identifiers: Orphanet 140162, MedGen C0027672, MeSH D009386, MONDO:0015356.
Cardiovascular phenotype. Identifiers: MedGen CN230736.

Submission:

Ambry Genetics
Classification: Uncertain significance for Cardiovascular phenotype; Hereditary cancer-predisposing syndrome. Last evaluated: 2024-01-25. Review status: criteria provided, single submitter. Criteria: Ambry Variant Classification Scheme 2023. Collection method: clinical testing. Allele origin: germline.
Comment: The p.C42F variant (also known as c.125G>T), located in coding exon 2 of the NF1 gene, results from a G to T substitution at nucleotide position 125. The cysteine at codon 42 is replaced by phenylalanine, an amino acid with highly dissimilar properties. This amino acid position is conserved. In addition, the in silico prediction for this alteration is inconclusive. Based on the available evidence, the clinical significance of this alteration remains unclear.

NM_001042492.3(NF1):c.125G>T (p.Cys42Phe)

Gene: NF1 (neurofibromin 1; plus strand). Cytogenetic location: 17q11.2.
Variant type: single nucleotide variant.
Coding change: c.125G>T on transcript NM_001042492.3 (MANE Select); coding-DNA position 125, G replaced by T.
Protein change: p.Cys42Phe; replaces cysteine 42 with phenylalanine.
Molecular consequence: missense variant.
Genome position (GRCh38, 1-based): chr17:31,156,047, G>T. VCF-style: chr17-31156047-G-T. GRCh37 (hg19) VCF-style: chr17-29483065-G-T.
Other names: c.125G>T, p.Cys42Phe (NM_000267.4, NM_001128147.3); short protein forms C42F.
Identifiers: ClinVar variation 3238066 (VCV003238066.1), dbSNP rs2143626240.